The following is an entry in ClinVar:

ClinVar aggregate classification (germline): Likely pathogenic (1 of 4 stars; one submission).

Conditions:
Nemaline myopathy 8 (NEM8). Also called: Nemaline myopathy 8, autosomal recessive. Identifiers: Orphanet 171430, MedGen C3809209, MONDO:0014138, OMIM 615348.

Submission:

Labcorp Genetics (formerly Invitae), Labcorp
Classification: Likely pathogenic for Nemaline myopathy 8. Last evaluated: 2022-08-23. Review status: criteria provided, single submitter. Criteria: Invitae Variant Classification Sherloc (09022015). Collection method: clinical testing. Allele origin: germline.
Comment: In summary, the currently available evidence indicates that the variant is pathogenic, but additional data are needed to prove that conclusively. Therefore, this variant has been classified as Likely Pathogenic. Algorithms developed to predict the effect of sequence changes on RNA splicing suggest that this variant may disrupt the consensus splice site. ClinVar contains an entry for this variant (Variation ID: 653053). This variant has not been reported in the literature in individuals affected with KLHL40-related conditions. This variant is not present in population databases (gnomAD no frequency). This sequence change affects a donor splice site in intron 1 of the KLHL40 gene. It is expected to disrupt RNA splicing. Variants that disrupt the donor or acceptor splice site typically lead to a loss of protein function (PMID: 16199547), and loss-of-function variants in KLHL40 are known to be pathogenic (PMID: 23746549).

Literature cited by the submitters: PubMed 16199547; PubMed 23746549.

NM_152393.4(KLHL40):c.1152+2T>A

Gene: KLHL40 (kelch like family member 40; plus strand). Cytogenetic location: 3p22.1.
Variant type: single nucleotide variant.
Coding change: c.1152+2T>A on transcript NM_152393.4 (MANE Select); the canonical splice donor site of the intron after coding-DNA position 1152, T replaced by A.
Molecular consequence: splice donor variant.
Genome position (GRCh38, 1-based): chr3:42,686,772, T>A. VCF-style: chr3-42686772-T-A. GRCh37 (hg19) VCF-style: chr3-42728264-T-A.
Identifiers: ClinVar variation 653053 (VCV000653053.6), dbSNP rs1575219191, ClinGen allele CA352292692.